The following is an entry in ClinVar:

ClinVar aggregate classification (germline): Uncertain significance (1 of 4 stars; one submission).

Conditions:
Inborn genetic diseases. Identifiers: MedGen C0950123, MeSH D030342.

Submission:

Ambry Genetics
Classification: Uncertain significance for Inborn genetic diseases. Last evaluated: 2023-03-19. Review status: criteria provided, single submitter. Criteria: Ambry Variant Classification Scheme 2023. Collection method: clinical testing. Allele origin: germline.
Comment: The p.H1294P variant (also known as c.3881A>C), located in coding exon 21 of the ATR gene, results from an A to C substitution at nucleotide position 3881. The histidine at codon 1294 is replaced by proline, an amino acid with similar properties. This amino acid position is conserved. In addition, the in silico prediction for this alteration is inconclusive. Since supporting evidence is limited at this time, the clinical significance of this alteration remains unclear.

NM_001184.4(ATR):c.3881A>C (p.His1294Pro)

Gene: ATR (ATR checkpoint kinase; minus strand). Cytogenetic location: 3q23.
Variant type: single nucleotide variant.
Coding change: c.3881A>C on transcript NM_001184.4 (MANE Select); coding-DNA position 3881, A replaced by C.
Protein change: p.His1294Pro; replaces histidine 1294 with proline.
Molecular consequence: missense variant.
Genome position (GRCh38, 1-based): chr3:142,535,144, T>G on the plus strand (A>C on the coding strand, the complement: ATR is on the minus strand). VCF-style: chr3-142535144-T-G. GRCh37 (hg19) VCF-style: chr3-142253986-T-G.
Other names: c.3689A>C, p.His1230Pro (NM_001354579.2); short protein forms H1230P, H1294P.
Identifiers: ClinVar variation 2567779 (VCV002567779.2), dbSNP rs2108424849, ClinGen allele CA354806187.